The following is an entry in ClinVar:

NM_001244008.2(KIF1A):c.590A>T (p.Asp197Val)

Gene: KIF1A (kinesin family member 1A; minus strand). Cytogenetic location: 2q37.3.
Variant type: single nucleotide variant.
Coding change: c.590A>T on transcript NM_001244008.2 (MANE Select); coding-DNA position 590, A replaced by T.
Protein change: p.Asp197Val; replaces aspartic acid 197 with valine.
Molecular consequence: missense variant.
Genome position (GRCh38, 1-based): chr2:240,786,353, T>A on the plus strand (A>T on the coding strand, the complement: KIF1A is on the minus strand). VCF-style: chr2-240786353-T-A. GRCh37 (hg19) VCF-style: chr2-241725770-T-A.
Other names: c.590A>T, p.Asp197Val (NM_001320705.2, NM_001330289.2, NM_001330290.2 and 20 more transcripts); short protein forms D197V.
Identifiers: ClinVar variation 3763964 (VCV003763964.2).

ClinVar aggregate classification (germline): Uncertain significance (1 of 4 stars; one submission).

Conditions:
Neuropathy, hereditary sensory, type 2C. Also called: KIF1A-Related HSAN2 (HSAN2C); Hereditary sensory and autonomic neuropathy type IIC. Identifiers: Orphanet 970, MedGen C3280168, MONDO:0013634, OMIM 614213.
Hereditary spastic paraplegia 30. Identifiers: Orphanet 101010, MedGen C5235139, MONDO:0012476.
Intellectual disability, autosomal dominant 9 (NESCAVS). Also called: KIF1A-Related Neurodevelopmental Disorder; NESCAV SYNDROME. Identifiers: Orphanet 662367, MedGen C5393830, MONDO:0013656, OMIM 614255.

gnomAD v4.1: 1 of 1,613,472 alleles (0.000062%); highest among the groups gnomAD compares: East Asian, 0.0022%; no homozygotes.

Submission:

Labcorp Genetics (formerly Invitae), Labcorp
Classification: Uncertain significance for Hereditary spastic paraplegia 30; Neuropathy, hereditary sensory, type 2C; Intellectual disability, autosomal dominant 9. Last evaluated: 2024-05-12. Review status: criteria provided, single submitter. Criteria: Invitae Variant Classification Sherloc (09022015). Collection method: clinical testing. Allele origin: germline.
Comment: This sequence change replaces aspartic acid, which is acidic and polar, with valine, which is neutral and non-polar, at codon 197 of the KIF1A protein (p.Asp197Val). This variant is not present in population databases (gnomAD no frequency). This variant has not been reported in the literature in individuals affected with KIF1A-related conditions. Advanced modeling of protein sequence and biophysical properties (such as structural, functional, and spatial information, amino acid conservation, physicochemical variation, residue mobility, and thermodynamic stability) performed at Invitae indicates that this missense variant is expected to disrupt KIF1A protein function with a positive predictive value of 95%. In summary, the available evidence is currently insufficient to determine the role of this variant in disease. Therefore, it has been classified as a Variant of Uncertain Significance.